The following is an entry in ClinVar:

ClinVar aggregate classification (germline): Uncertain significance (1 of 4 stars; one submission).

Submission:

Women's Health and Genetics/Laboratory Corporation of America, LabCorp
Classification: Uncertain significance. Last evaluated: 2025-03-18. Review status: criteria provided, single submitter. Criteria: LabCorp Variant Classification Summary - May 2015. Collection method: clinical testing. Allele origin: germline.
Comment: Variant summary: ATP7B c.1831G>A (p.Glu611Lys) results in a conservative amino acid change in the encoded protein sequence. Four of five in-silico tools predict a damaging effect of the variant on protein function. The variant was absent in 249578 control chromosomes (gnomAD). The available data on variant occurrences in the general population are insufficient to allow any conclusion about variant significance. c.1831G>A has been reported in the literature in an individual affected with Wilson Disease (Li_2011). This report does not provide unequivocal conclusions about association of the variant with Wilson Disease. To our knowledge, no experimental evidence demonstrating an impact on protein function has been reported. The following publication has been ascertained in the context of this evaluation (PMID: 21219664). No submitters have cited clinical-significance assessments for this variant to ClinVar. Based on the evidence outlined above, the variant was classified as uncertain significance.

Literature cited by the submitters: PubMed 21219664.

NM_000053.4(ATP7B):c.1831G>A (p.Glu611Lys)

Gene: ATP7B (ATPase copper transporting beta; minus strand). Cytogenetic location: 13q14.3.
Variant type: single nucleotide variant.
Coding change: c.1831G>A on transcript NM_000053.4 (MANE Select); coding-DNA position 1831, G replaced by A.
Protein change: p.Glu611Lys; replaces glutamic acid 611 with lysine.
Molecular consequence: missense variant. On other transcripts: intron variant (3).
Genome position (GRCh38, 1-based): chr13:51,964,910, C>T on the plus strand (G>A on the coding strand, the complement: ATP7B is on the minus strand). VCF-style: chr13-51964910-C-T. GRCh37 (hg19) VCF-style: chr13-52539046-C-T.
Other names: c.1831G>A, p.Glu611Lys (NM_001005918.3, NM_001330578.2, NM_001330579.2 and 24 more transcripts); c.1498G>A, p.Glu500Lys (NM_001243182.2); c.1798G>A, p.Glu600Lys (NM_001406514.1, NM_001406524.1); c.1735G>A, p.Glu579Lys (NM_001406517.1, NM_001406518.1, NM_001406530.1 and 3 more transcripts); c.1402G>A, p.Glu468Lys (NM_001406539.1); c.1285+9025G>A (NM_001406548.1); c.1707+3534G>A (NM_001406547.1, NM_001406545.1); short protein forms E468K, E500K, E579K, E600K, E611K.
Identifiers: ClinVar variation 3896114 (VCV003896114.1).
Genomic context (GRCh38, chr13:51,964,910, plus strand): 5'-AATTTTTTAATGAATTACTTACCTCAATAATTTTGATAATATCCCGTGGACCGATAATTT[C>T]CGGGTCAAACTTAACAAGGGCTTTGCTGGTGGCAAGGGCAACGGAGGCATAAGTGATGCC-3'
Protein context (NP_000044.2, residues 601-621): TSKALVKFDP[Glu611Lys]IIGPRDIIKI